The following is an entry in ClinVar:

NM_000069.3(CACNA1S):c.3076_3090del (p.Ser1026_Asp1030del)

Gene: CACNA1S (calcium voltage-gated channel subunit alpha1 S; minus strand). Cytogenetic location: 1q32.1.
Variant type: Deletion.
Coding change: c.3076_3090del on transcript NM_000069.3 (MANE Select); coding-DNA positions 3076 to 3090, 15 bases deleted (TCCAATGCGGAGGAC).
Protein change: p.Ser1026_Asp1030del.
Molecular consequence: inframe deletion.
Genome position (GRCh38, 1-based): chr1:201,061,432-201,061,446, GTCCTCCGCATTGGA deleted on the plus strand (TCCAATGCGGAGGAC on the coding strand, the reverse complement: CACNA1S is on the minus strand); deleting any 15 consecutive bases within chr1:201,061,432-201,061,449 gives the same sequence; the c. name uses the placement nearest the transcript's 3' end. VCF-style (leftmost placement, unchanged base first): chr1-201061431-CGTCCTCCGCATTGGA-C. GRCh37 (hg19) VCF-style: chr1-201030559-CGTCCTCCGCATTGGA-C.
Other names: c.3076_3090del (NM_000069.2).
Identifiers: ClinVar variation 2925780 (VCV002925780.5), dbSNP rs757138916, ClinGen allele CA1321812.

ClinVar aggregate classification (germline): Uncertain significance. Review status: criteria provided, multiple submitters, no conflicts (2 of 4 stars). 3 submissions from 3 submitters: Uncertain significance (3). Last evaluated 2025-05-09.

Conditions:
Malignant hyperthermia, susceptibility to, 5 (MHS5). Also called: CACNA1S-Related Malignant Hyperthermia Susceptibility. Identifiers: Orphanet 423, MedGen C1866077, MONDO:0011163, OMIM 601887.
Hypokalemic periodic paralysis, type 1. Also called: Hypokalemic Periodic Paralysis Type 1 (AD); HypoPP. Identifiers: Orphanet 681, MedGen C3714580, MONDO:0042979, OMIM 170400.
Congenital myopathy 18. Also called: Myopathy, congenital, due to dihydropyridine receptor defect; DIHYDROPYRIDINE RECEPTOR CONGENITAL MYOPATHY; DHPR CONGENITAL MYOPATHY. Identifiers: MedGen C5830283, MONDO:0859514, OMIM 620246.
Thyrotoxic periodic paralysis, susceptibility to, 1 (TTPP1). Identifiers: Orphanet 79102, MedGen C2749982, MONDO:0008570, OMIM 188580.

Submissions (3):

GeneDx
Classification: Uncertain significance. Last evaluated: 2025-05-09. Review status: criteria provided, single submitter. Criteria: GeneDx Variant Classification Process June 2021. Collection method: clinical testing. Allele origin: germline. Affected: yes.
Comment: In-frame deletion of 5 amino acid(s) in a non-repeat region; In silico analysis supports a deleterious effect on protein structure/function; Has not been previously published as pathogenic or benign to our knowledge

Fulgent Genetics
Classification: Uncertain significance for Hypokalemic periodic paralysis, type 1; Thyrotoxic periodic paralysis, susceptibility to, 1; Malignant hyperthermia, susceptibility to, 5; Congenital myopathy 18. Last evaluated: 2023-12-27. Review status: criteria provided, single submitter. Criteria: ACMG Guidelines, 2015. Collection method: clinical testing. Allele origin: germline.

Labcorp Genetics (formerly Invitae), Labcorp
Classification: Uncertain significance for Hypokalemic periodic paralysis, type 1; Malignant hyperthermia, susceptibility to, 5. Last evaluated: 2022-11-16. Review status: criteria provided, single submitter. Criteria: Invitae Variant Classification Sherloc (09022015). Collection method: clinical testing. Allele origin: germline.
Comment: This variant has not been reported in the literature in individuals affected with CACNA1S-related conditions. This variant is present in population databases (rs757138916, gnomAD 0.009%). This variant, c.3076_3090del, results in the deletion of 5 amino acid(s) of the CACNA1S protein (p.Ser1026_Asp1030del), but otherwise preserves the integrity of the reading frame. In summary, the available evidence is currently insufficient to determine the role of this variant in disease. Therefore, it has been classified as a Variant of Uncertain Significance.